The following is an entry in ClinVar:

ClinVar aggregate classification (germline): Conflicting classifications of pathogenicity. Review status: criteria provided, conflicting classifications (1 of 4 stars). 2 submissions from 2 submitters: Uncertain significance (1); Likely benign (1). Last evaluated 2023-08-02.

Conditions:
Neurodegeneration with brain iron accumulation 5 (NBIA5). Also called: STATIC ENCEPHALOPATHY OF CHILDHOOD WITH NEURODEGENERATION IN ADULTHOOD; Beta-propeller protein-associated neurodegeneration. Identifiers: Orphanet 329284, MedGen C3550973, MONDO:0010476, OMIM 300894.

Submissions (2):

Illumina Laboratory Services, Illumina
Classification: Uncertain significance for Neurodegeneration with brain iron accumulation 5. Last evaluated: 2023-08-02. Review status: criteria provided, single submitter. Criteria: ICSLVariantClassificationCriteria RUGD 01 April 2020. Collection method: clinical testing. Allele origin: unknown.
Comment: The WDR45 c.5C>T (p.Thr2Ile) missense variant has not, to our knowledge, been reported in the peer-reviewed literature. This variant is not observed in version 2.1.1 or version 3.1.2 of the Genome Aggregation Database. Based on the available evidence, the c.5C>T (p.Thr2Ile) variant is classified as a variant of uncertain significance for neurodegeneration with brain iron accumulation.

Labcorp Genetics (formerly Invitae), Labcorp
Classification: Likely benign for Neurodegeneration with brain iron accumulation 5. Last evaluated: 2022-08-27. Review status: criteria provided, single submitter. Criteria: Invitae Variant Classification Sherloc (09022015). Collection method: clinical testing. Allele origin: germline.

NM_001029896.2(WDR45):c.5C>T (p.Thr2Ile)

Genes: WDR45 (WD repeat domain 45; minus strand), LOC126863256 (BRD4-independent group 4 enhancer GRCh37_chrX:48934848-48936047; plus strand). Cytogenetic location: Xp11.23.
Variant type: single nucleotide variant.
Coding change: c.5C>T on transcript NM_001029896.2 (MANE Select); coding-DNA position 5, C replaced by T.
Protein change: p.Thr2Ile; replaces threonine 2 with isoleucine.
Molecular consequence: missense variant.
Genome position (GRCh38, 1-based): chrX:49,078,091, G>A on the plus strand (C>T on the coding strand, the complement: WDR45 is on the minus strand). VCF-style: chrX-49078091-G-A. GRCh37 (hg19) VCF-style: chrX-48935750-G-A.
Other names: c.5C>T, p.Thr2Ile (NM_007075.4); short protein forms T2I.
Identifiers: ClinVar variation 1538320 (VCV001538320.9), dbSNP rs2147817901, ClinGen allele CA412949578.